The following is an entry in ClinVar:

NM_001258392.3(CLPB):c.157G>T (p.Gly53Trp)

Genes: CLPB (ClpB family mitochondrial disaggregase; minus strand), LOC130006336 (ATAC-STARR-seq lymphoblastoid active region 5191; plus strand). Cytogenetic location: 11q13.4.
Variant type: single nucleotide variant.
Coding change: c.157G>T on transcript NM_001258392.3 (MANE Select); coding-DNA position 157, G replaced by T.
Protein change: p.Gly53Trp; replaces glycine 53 with tryptophan.
Molecular consequence: missense variant. On other transcripts: 5 prime UTR variant (1).
Genome position (GRCh38, 1-based): chr11:72,434,318, C>A on the plus strand (G>T on the coding strand, the complement: CLPB is on the minus strand). VCF-style: chr11-72434318-C-A. GRCh37 (hg19) VCF-style: chr11-72145362-C-A.
Other names: c.157G>T, p.Gly53Trp (NM_001258393.3, NM_030813.6); c.-86G>T (NM_001258394.3); short protein forms G53W.
Identifiers: ClinVar variation 2790452 (VCV002790452.3), dbSNP rs1315701424, ClinGen allele CA381963646.
Genomic context (GRCh38, chr11:72,434,318, plus strand): 5'-GCCCCCCGGTGGCTGCCCCACGTCCGGAGAACAAGGCCGGCGATGTTCCAGGGCGCCCCC[C>A]GGTGGCTACCCTCAGCCACTGCGGCTCCCCGAGACTCCCAGTAGTCACATTCCGGCCGGA-3'
Protein context (NP_001245321.1, residues 43-63): GEPQWLRVAT[Gly53Trp]GRPGTSPALF

ClinVar aggregate classification (germline): Uncertain significance (1 of 4 stars; one submission).

Conditions:
3-methylglutaconic aciduria, type VIIB (MGCA7B). Also called: CLPB Deficiency; 3-methylglutaconic aciduria with cataracts, neurologic involvement and neutropenia; 3-methylglutaconic aciduria, type VII, with cataracts, neurologic involvement and neutropenia. Identifiers: Orphanet 445038, MedGen C5676893, MONDO:0014561, OMIM 616271.

Submission:

Labcorp Genetics (formerly Invitae), Labcorp
Classification: Uncertain significance for 3-methylglutaconic aciduria, type VIIB. Last evaluated: 2023-03-23. Review status: criteria provided, single submitter. Criteria: Invitae Variant Classification Sherloc (09022015). Collection method: clinical testing. Allele origin: germline.
Comment: In summary, the available evidence is currently insufficient to determine the role of this variant in disease. Therefore, it has been classified as a Variant of Uncertain Significance. Algorithms developed to predict the effect of missense changes on protein structure and function output the following: SIFT: "Not Available"; PolyPhen-2: "Benign"; Align-GVGD: "Not Available". The tryptophan amino acid residue is found in multiple mammalian species, which suggests that this missense change does not adversely affect protein function. This variant has not been reported in the literature in individuals affected with CLPB-related conditions. This variant is not present in population databases (gnomAD no frequency). This sequence change replaces glycine, which is neutral and non-polar, with tryptophan, which is neutral and slightly polar, at codon 53 of the CLPB protein (p.Gly53Trp).